The following is an entry in ClinVar:

NM_002500.5(NEUROD1):c.1055C>T (p.Ala352Val)

Gene: NEUROD1 (neuronal differentiation 1; minus strand). Cytogenetic location: 2q31.3.
Variant type: single nucleotide variant.
Coding change: c.1055C>T on transcript NM_002500.5 (MANE Select); coding-DNA position 1055, C replaced by T.
Protein change: p.Ala352Val; replaces alanine 352 with valine.
Molecular consequence: missense variant.
Genome position (GRCh38, 1-based): chr2:181,677,806, G>A on the plus strand (C>T on the coding strand, the complement: NEUROD1 is on the minus strand). VCF-style: chr2-181677806-G-A. GRCh37 (hg19) VCF-style: chr2-182542533-G-A.
Other names: short protein forms A352V.
Identifiers: ClinVar variation 1307264 (VCV001307264.3), dbSNP rs774325551, ClinGen allele CA2011006.
Genomic context (GRCh38, chr2:181,677,806, plus strand): 5'-GCACAGTGGGTTCGTTTCCCGGAAATGGTGAAACTGGCGTGCCTCTAATCATGAAATATG[G>A]CATTGAGCTGGGCACTCATGACTCGCTCATGATGTGAATGGCTATCGAAGGACATAATAT-3'
Protein context (NP_002491.3, residues 342-356): HERVMSAQLN[Ala352Val]IFHD

ClinVar aggregate classification (germline): Uncertain significance. Review status: criteria provided, multiple submitters, no conflicts (2 of 4 stars). 2 submissions from 2 submitters: Uncertain significance (2). Last evaluated 2021-12-08.

Conditions:
Type 2 diabetes mellitus. Also called: Type II diabetes mellitus. Identifiers: MedGen C0011860, MeSH D003924, MONDO:0005148, OMIM 125853, HP:0005978.
Maturity-onset diabetes of the young type 6 (MODY6). Identifiers: Orphanet 552, MedGen C1853371, MONDO:0011668, OMIM 606394.

gnomAD v4.1: 18 of 1,614,102 alleles (0.0011%); highest among the groups gnomAD compares: Non-Finnish European, 0.0014%; no homozygotes.

Submissions (2):

Fulgent Genetics
Classification: Uncertain significance for Type 2 diabetes mellitus; Maturity-onset diabetes of the young type 6. Last evaluated: 2021-12-08. Review status: criteria provided, single submitter. Criteria: ACMG Guidelines, 2015. Collection method: clinical testing. Allele origin: unknown.

GeneDx
Classification: Uncertain significance. Last evaluated: 2019-07-18. Review status: criteria provided, single submitter. Criteria: GeneDx Variant Classification Process June 2021. Collection method: clinical testing. Allele origin: germline. Affected: yes.
Comment: Not observed in large population cohorts (Lek et al., 2016); In silico analysis, which includes protein predictors and evolutionary conservation, supports a deleterious effect; Has not been previously published as pathogenic or benign to our knowledge